The following is an entry in ClinVar:

NM_004360.5(CDH1):c.2485T>G (p.Ser829Ala)

Gene: CDH1 (cadherin 1; plus strand). Cytogenetic location: 16q22.1.
Variant type: single nucleotide variant.
Coding change: c.2485T>G on transcript NM_004360.5 (MANE Select); coding-DNA position 2485, T replaced by G.
Protein change: p.Ser829Ala; replaces serine 829 with alanine.
Molecular consequence: missense variant.
Genome position (GRCh38, 1-based): chr16:68,833,335, T>G. VCF-style: chr16-68833335-T-G. GRCh37 (hg19) VCF-style: chr16-68867238-T-G.
Other names: c.2485T>G (LRG_301t1); c.2302T>G, p.Ser768Ala (NM_001317184.2); c.937T>G, p.Ser313Ala (NM_001317185.2); c.520T>G, p.Ser174Ala (NM_001317186.2); short protein forms S829A, S768A, S313A, S174A.
Identifiers: ClinVar variation 463766 (VCV000463766.13), dbSNP rs1265463733, ClinGen allele CA396472110.
Genomic context (GRCh38, chr16:68,833,335, plus strand): 5'-TCCCTTCTTCTTTAGAATCTGAAAGCGGCTGATACTGACCCCACAGCCCCGCCTTATGAT[T>G]CTCTGCTCGTGTTTGACTATGAAGGAAGCGGTTCCGAAGCTGCTAGTCTGAGCTCCCTGA-3'
Protein context (NP_004351.1, residues 819-839): DTDPTAPPYD[Ser829Ala]LLVFDYEGSG

ClinVar aggregate classification (germline): Uncertain significance. Review status: criteria provided, multiple submitters, no conflicts (2 of 4 stars). 2 submissions from 2 submitters: Uncertain significance (2). Last evaluated 2024-02-05.

Conditions:
Hereditary cancer-predisposing syndrome. Also called: Hereditary neoplastic syndrome; Neoplastic Syndromes, Hereditary; Tumor predisposition; Hereditary Cancer Syndrome. Identifiers: Orphanet 140162, MedGen C0027672, MeSH D009386, MONDO:0015356.
Hereditary diffuse gastric adenocarcinoma (HDGC). Also called: DIFFUSE GASTRIC AND LOBULAR BREAST CANCER SYNDROME. Identifiers: Orphanet 26106, MedGen C1708349, MONDO:0007648, OMIM 137215.

Allele frequency attached by ClinVar (database versions not stated): gnomAD 0.00001; TOPMed 0.00001.
gnomAD v4.1: 1 of 1,614,096 alleles (0.000062%); highest among the groups gnomAD compares: Non-Finnish European, 0.000085%; no homozygotes.

Submissions (2):

Labcorp Genetics (formerly Invitae), Labcorp
Classification: Uncertain significance for Hereditary diffuse gastric adenocarcinoma. Last evaluated: 2024-02-05. Review status: criteria provided, single submitter. Criteria: Invitae Variant Classification Sherloc (09022015). Collection method: clinical testing. Allele origin: germline.
Comment: This sequence change replaces serine, which is neutral and polar, with alanine, which is neutral and non-polar, at codon 829 of the CDH1 protein (p.Ser829Ala). This variant is not present in population databases (gnomAD no frequency). This variant has not been reported in the literature in individuals affected with CDH1-related conditions. ClinVar contains an entry for this variant (Variation ID: 463766). An algorithm developed to predict the effect of missense changes on protein structure and function (PolyPhen-2) suggests that this variant is likely to be disruptive. In summary, the available evidence is currently insufficient to determine the role of this variant in disease. Therefore, it has been classified as a Variant of Uncertain Significance.

Ambry Genetics
Classification: Uncertain significance for Hereditary cancer-predisposing syndrome. Last evaluated: 2023-10-02. Review status: criteria provided, single submitter. Criteria: Ambry Variant Classification Scheme 2023. Collection method: clinical testing. Allele origin: germline.
Comment: The p.S829A variant (also known as c.2485T>G), located in coding exon 16 of the CDH1 gene, results from a T to G substitution at nucleotide position 2485. The serine at codon 829 is replaced by alanine, an amino acid with similar properties. This amino acid position is highly conserved in available vertebrate species. In addition, the in silico prediction for this alteration is inconclusive. Since supporting evidence is limited at this time, the clinical significance of this alteration remains unclear.